The following is an entry in ClinVar:

ClinVar aggregate classification (germline): Uncertain significance (1 of 4 stars; one submission).

Conditions:
Hereditary breast ovarian cancer syndrome. Also called: Hereditary breast and ovarian cancer; BRCA1- and BRCA2-Associated Hereditary Breast and Ovarian Cancer; Hereditary breast and ovarian cancer syndrome; Hereditary breast and ovarian cancer syndrome (HBOC); Breast and ovarian cancer; Hereditary breast and/or ovarian cancer syndrome. Identifiers: Orphanet 145, MedGen C0677776, MeSH D061325, MONDO:0003582. Disease mechanism: loss of function.

Submission:

Labcorp Genetics (formerly Invitae), Labcorp
Classification: Uncertain significance for Hereditary breast ovarian cancer syndrome. Last evaluated: 2021-10-25. Review status: criteria provided, single submitter. Criteria: Invitae Variant Classification Sherloc (09022015). Collection method: clinical testing. Allele origin: germline.
Comment: This variant has not been reported in the literature in individuals affected with BRCA1-related conditions. This sequence change replaces proline, which is neutral and non-polar, with leucine, which is neutral and non-polar, at codon 1464 of the BRCA1 protein (p.Pro1464Leu). This variant is not present in population databases (gnomAD no frequency). Advanced modeling of protein sequence and biophysical properties (such as structural, functional, and spatial information, amino acid conservation, physicochemical variation, residue mobility, and thermodynamic stability) performed at Invitae indicates that this missense variant is not expected to disrupt BRCA1 protein function. In summary, the available evidence is currently insufficient to determine the role of this variant in disease. Therefore, it has been classified as a Variant of Uncertain Significance.

NM_007294.4(BRCA1):c.4391C>T (p.Pro1464Leu)

Gene: BRCA1 (BRCA1 DNA repair associated; minus strand). Cytogenetic location: 17q21.31.
Variant type: single nucleotide variant.
Coding change: c.4391C>T on transcript NM_007294.4 (MANE Select); coding-DNA position 4391, C replaced by T.
Protein change: p.Pro1464Leu; replaces proline 1464 with leucine.
Molecular consequence: missense variant. On other transcripts: non-coding transcript variant (1).
Genome position (GRCh38, 1-based): chr17:43,076,581, G>A on the plus strand (C>T on the coding strand, the complement: BRCA1 is on the minus strand). VCF-style: chr17-43076581-G-A. GRCh37 (hg19) VCF-style: chr17-41228598-G-A.
Other names: c.4391C>T, p.Pro1464Leu (NM_001407597.1, NM_001407598.1, NM_001407602.1 and 8 more transcripts); c.4388C>T, p.Pro1463Leu (NM_001407610.1, NM_001407611.1, NM_001407612.1 and 17 more transcripts); c.4385C>T, p.Pro1462Leu (NM_001407633.1, NM_001407634.1, NM_001407635.1 and 14 more transcripts); c.4382C>T, p.Pro1461Leu (NM_001407644.1, NM_001407645.1); c.4379C>T, p.Pro1460Leu (NM_001407646.1); c.4178C>T, p.Pro1393Leu (NM_001407571.1, NM_001407894.1, NM_001407895.1 and 12 more transcripts); c.4457C>T, p.Pro1486Leu (NM_001407581.1, NM_001407582.1); c.4454C>T, p.Pro1485Leu (NM_001407583.1, NM_001407585.1, NM_001407587.1 and 1 more transcripts); and 68 more; short protein forms P1485L, P360L, P1417L, P1464L, P1337L, P1352L, P1375L, P1376L.
Identifiers: ClinVar variation 1481377 (VCV001481377.7), dbSNP rs2052738000, ClinGen allele CA10592753.